The following is an entry in ClinVar:

ClinVar aggregate classification (germline): Uncertain significance (1 of 4 stars; one submission).

gnomAD v4.1: 2 of 1,613,134 alleles (0.00012%); highest among the groups gnomAD compares: Non-Finnish European, 0.00017%; no homozygotes.

Submission:

Labcorp Genetics (formerly Invitae), Labcorp
Classification: Uncertain significance. Last evaluated: 2024-06-25. Review status: criteria provided, single submitter. Criteria: Invitae Variant Classification Sherloc (09022015). Collection method: clinical testing. Allele origin: germline.
Comment: This sequence change replaces glycine, which is neutral and non-polar, with aspartic acid, which is acidic and polar, at codon 969 of the A2ML1 protein (p.Gly969Asp). This variant is not present in population databases (gnomAD no frequency). This variant has not been reported in the literature in individuals affected with A2ML1-related conditions. An algorithm developed to predict the effect of missense changes on protein structure and function (PolyPhen-2) suggests that this variant is likely to be disruptive. In summary, the available evidence is currently insufficient to determine the role of this variant in disease. Therefore, it has been classified as a Variant of Uncertain Significance.

NM_144670.6(A2ML1):c.2906G>A (p.Gly969Asp)

Gene: A2ML1 (alpha-2-macroglobulin like 1; plus strand). Cytogenetic location: 12p13.31.
Variant type: single nucleotide variant.
Coding change: c.2906G>A on transcript NM_144670.6 (MANE Select); coding-DNA position 2906, G replaced by A.
Protein change: p.Gly969Asp; replaces glycine 969 with aspartic acid.
Molecular consequence: missense variant.
Genome position (GRCh38, 1-based): chr12:8,857,221, G>A. VCF-style: chr12-8857221-G-A. GRCh37 (hg19) VCF-style: chr12-9009817-G-A.
Other names: c.1433G>A, p.Gly478Asp (NM_001282424.3); short protein forms G478D, G969D.
Identifiers: ClinVar variation 3603806 (VCV003603806.2).
Genomic context (GRCh38, chr12:8,857,221, plus strand): 5'-CAGGAGACATTATGGGCACAGCCCTGCAGAACCTGGATGGTCTGGTGCAGATGCCCAGTG[G>A]CTGTGGCGAGCAGAACATGGTCTTGTTTGCTCCCATCATCTATGTCTTGCAGTACCTGGA-3'
Protein context (NP_653271.3, residues 959-979): NLDGLVQMPS[Gly969Asp]CGEQNMVLFA